The following is an entry in ClinVar:

NM_000152.5(GAA):c.530A>C (p.Asn177Thr)

Gene: GAA (alpha glucosidase; plus strand). Cytogenetic location: 17q25.3.
Variant type: single nucleotide variant.
Coding change: c.530A>C on transcript NM_000152.5 (MANE Select); coding-DNA position 530, A replaced by C.
Protein change: p.Asn177Thr; replaces asparagine 177 with threonine.
Molecular consequence: missense variant.
Genome position (GRCh38, 1-based): chr17:80,105,116, A>C. VCF-style: chr17-80105116-A-C. GRCh37 (hg19) VCF-style: chr17-78078915-A-C.
Other names: c.530A>C, p.Asn177Thr (NM_001079803.3, NM_001079804.3); short protein forms N177T.
Identifiers: ClinVar variation 840069 (VCV000840069.8), dbSNP rs936395356, ClinGen allele CA294887368.

ClinVar aggregate classification (germline): Uncertain significance. Review status: criteria provided, multiple submitters, no conflicts (2 of 4 stars). 2 submissions from 2 submitters: Uncertain significance (2). Last evaluated 2025-03-13.

Conditions:
Glycogen storage disease, type II (IOPD). Also called: POMPE DISEASE, INFANTILE-ONSET; GLYCOGEN STORAGE DISEASE II, INFANTILE-ONSET; ACID ALPHA-GLUCOSIDASE DEFICIENCY, INFANTILE-ONSET; GAA DEFICIENCY, INFANTILE-ONSET; ACID MALTASE DEFICIENCY, INFANTILE-ONSET; GLYCOGENOSIS, GENERALIZED, CARDIAC FORM. Identifiers: Orphanet 365, MedGen C0017921, MONDO:0009290, OMIM 232300.
Cardiovascular phenotype. Identifiers: MedGen CN230736.

Allele frequency attached by ClinVar (database versions not stated): TOPMed below 0.00001; gnomAD exomes 0.00001.

Submissions (2):

Ambry Genetics
Classification: Uncertain significance for Cardiovascular phenotype. Last evaluated: 2025-03-13. Review status: criteria provided, single submitter. Criteria: Ambry Variant Classification Scheme 2023. Collection method: clinical testing. Allele origin: germline.
Comment: The p.N177T variant (also known as c.530A>C), located in coding exon 1 of the GAA gene, results from an A to C substitution at nucleotide position 530. The asparagine at codon 177 is replaced by threonine, an amino acid with similar properties. This amino acid position is conserved. In addition, this alteration is predicted to be tolerated by in silico analysis. Based on the available evidence, the clinical significance of this variant remains unclear.

Labcorp Genetics (formerly Invitae), Labcorp
Classification: Uncertain significance for Glycogen storage disease, type II. Last evaluated: 2022-03-19. Review status: criteria provided, single submitter. Criteria: Invitae Variant Classification Sherloc (09022015). Collection method: clinical testing. Allele origin: germline.
Comment: In summary, the available evidence is currently insufficient to determine the role of this variant in disease. Therefore, it has been classified as a Variant of Uncertain Significance. Advanced modeling of protein sequence and biophysical properties (such as structural, functional, and spatial information, amino acid conservation, physicochemical variation, residue mobility, and thermodynamic stability) performed at Invitae indicates that this missense variant is not expected to disrupt GAA protein function. ClinVar contains an entry for this variant (Variation ID: 840069). This variant has not been reported in the literature in individuals affected with GAA-related conditions. This variant is present in population databases (no rsID available, gnomAD 0.002%). This sequence change replaces asparagine, which is neutral and polar, with threonine, which is neutral and polar, at codon 177 of the GAA protein (p.Asn177Thr).